The following is an entry in ClinVar:

ClinVar aggregate classification (germline): Benign. Review status: criteria provided, single submitter (1 of 4 stars). 2 submissions from 2 submitters: Benign (1). 1 of the submissions does not count toward it. Last evaluated 2025-10-27.

Conditions:
BNC2-related disorder. Also called: BNC2-related condition.

Allele frequency attached by ClinVar (database versions not stated): gnomAD exomes 0.00050 and 0.00137; ExAC 0.00166; gnomAD 0.00527 and 0.00569; ESP Exome Variant Server 0.00592; TOPMed 0.00619; 1000 Genomes Project 0.00659; 1000 Genomes Project 30x 0.00750.
gnomAD v4.1: 1,569 of 1,614,060 alleles (0.097%); highest among the groups gnomAD compares: African/African-American, 1.8%; 13 homozygotes.

Submissions (2):

Labcorp Genetics (formerly Invitae), Labcorp
Classification: Benign. Last evaluated: 2025-10-27. Review status: criteria provided, single submitter. Criteria: Invitae Variant Classification Sherloc (09022015). Collection method: clinical testing. Allele origin: germline.

PreventionGenetics, part of Exact Sciences
Classification: Benign for BNC2-related condition. Last evaluated: 2019-10-14. Review status: no assertion criteria provided. Collection method: clinical testing. Allele origin: germline. Not counted in ClinVar's aggregate classification.
Comment: This variant is classified as benign based on ACMG/AMP sequence variant interpretation guidelines (Richards et al. 2015 PMID: 25741868, with internal and published modifications).

NM_017637.6(BNC2):c.98C>T (p.Pro33Leu)

Gene: BNC2 (basonuclin zinc finger protein 2; minus strand). Cytogenetic location: 9p22.2.
Variant type: single nucleotide variant.
Coding change: c.98C>T on transcript NM_017637.6 (MANE Select); coding-DNA position 98, C replaced by T.
Protein change: p.Pro33Leu; replaces proline 33 with leucine.
Molecular consequence: missense variant. On other transcripts: intron variant (1).
Genome position (GRCh38, 1-based): chr9:16,738,391, G>A on the plus strand (C>T on the coding strand, the complement: BNC2 is on the minus strand). VCF-style: chr9-16738391-G-A. GRCh37 (hg19) VCF-style: chr9-16738389-G-A.
Other names: c.45+93853C>T (NM_001317940.2); short protein forms P33L.
Identifiers: ClinVar variation 780784 (VCV000780784.10), dbSNP rs114612810, ClinGen allele CA4996420.